The following is an entry in ClinVar:

ClinVar aggregate classification (germline): Likely benign. Review status: criteria provided, multiple submitters, no conflicts (2 of 4 stars). 2 submissions from 2 submitters: Likely benign (2). Last evaluated 2018-06-19.

Allele frequency attached by ClinVar (database versions not stated): gnomAD 0.01099 and 0.01106.

Submissions (2):

GeneDx
Classification: Likely benign. Last evaluated: 2018-06-19. Review status: criteria provided, single submitter. Criteria: GeneDx Variant Classification (06012015). Collection method: clinical testing. Allele origin: germline. Affected: yes.
Comment: This variant is considered likely benign or benign based on one or more of the following criteria: it is a conservative change, it occurs at a poorly conserved position in the protein, it is predicted to be benign by multiple in silico algorithms, and/or has population frequency not consistent with disease.

Breakthrough Genomics
Classification: Likely benign. Review status: criteria provided, single submitter. Criteria: ACMG Guidelines, 2015. Collection method: not provided. Allele origin: germline. Inheritance: Autosomal recessive inheritance. Affected: yes.

NM_173660.5(DOK7):c.332-66C>T

Gene: DOK7 (docking protein 7; plus strand). Cytogenetic location: 4p16.3.
Variant type: single nucleotide variant.
Coding change: c.332-66C>T on transcript NM_173660.5 (MANE Select); 66 bases into the intron before coding-DNA position 332, C replaced by T.
Molecular consequence: intron variant.
Genome position (GRCh38, 1-based): chr4:3,476,276, C>T. VCF-style: chr4-3476276-C-T. GRCh37 (hg19) VCF-style: chr4-3478003-C-T.
Other names: c.332-66C>T (NM_001301071.2, NM_001164673.2); c.101-9263C>T (NM_001363811.2).
Identifiers: ClinVar variation 676825 (VCV000676825.2), dbSNP rs115797134, ClinGen allele CA91532051.